The following is an entry in ClinVar:

ClinVar aggregate classification (germline): Uncertain significance (1 of 4 stars; one submission).

Conditions:
Glycogen storage disease due to muscle and heart glycogen synthase deficiency. Also called: GSD 0b; MUSCLE GLYCOGEN SYNTHASE DEFICIENCY. Identifiers: Orphanet 137625, MedGen C1969054, MONDO:0012693, OMIM 611556.

Allele frequency attached by ClinVar (database versions not stated): gnomAD exomes below 0.00001; ExAC 0.00002.

Submission:

Labcorp Genetics (formerly Invitae), Labcorp
Classification: Uncertain significance for Glycogen storage disease due to muscle and heart glycogen synthase deficiency. Last evaluated: 2022-02-10. Review status: criteria provided, single submitter. Criteria: Invitae Variant Classification Sherloc (09022015). Collection method: clinical testing. Allele origin: germline.
Comment: In summary, the available evidence is currently insufficient to determine the role of this variant in disease. Therefore, it has been classified as a Variant of Uncertain Significance. Algorithms developed to predict the effect of missense changes on protein structure and function are either unavailable or do not agree on the potential impact of this missense change (SIFT: "Deleterious"; PolyPhen-2: "Benign"; Align-GVGD: "Class C0"). This variant has not been reported in the literature in individuals affected with GYS1-related conditions. This variant is present in population databases (rs761622115, gnomAD 0.006%). This sequence change replaces phenylalanine, which is neutral and non-polar, with leucine, which is neutral and non-polar, at codon 165 of the GYS1 protein (p.Phe165Leu).

NM_002103.5(GYS1):c.495C>G (p.Phe165Leu)

Gene: GYS1 (glycogen synthase 1; minus strand). Cytogenetic location: 19q13.33.
Variant type: single nucleotide variant.
Coding change: c.495C>G on transcript NM_002103.5 (MANE Select); coding-DNA position 495, C replaced by G.
Protein change: p.Phe165Leu; replaces phenylalanine 165 with leucine.
Molecular consequence: missense variant. On other transcripts: non-coding transcript variant (1).
Genome position (GRCh38, 1-based): chr19:48,986,033, G>C on the plus strand (C>G on the coding strand, the complement: GYS1 is on the minus strand). VCF-style: chr19-48986033-G-C. GRCh37 (hg19) VCF-style: chr19-49489290-G-C.
Other names: c.303C>G, p.Phe101Leu (NM_001161587.2); short protein forms F101L, F165L.
Identifiers: ClinVar variation 2096199 (VCV002096199.4), dbSNP rs761622115, ClinGen allele CA9563313.